The following is an entry in ClinVar:

NM_144585.4(SLC22A12):c.846G>A (p.Ser282=)

Gene: SLC22A12 (solute carrier family 22 member 12; plus strand). Cytogenetic location: 11q13.1.
Variant type: single nucleotide variant.
Coding change: c.846G>A on transcript NM_144585.4 (MANE Select); coding-DNA position 846, G replaced by A.
Protein change: p.Ser282=; no amino-acid change (serine 282 retained).
Molecular consequence: synonymous variant.
Genome position (GRCh38, 1-based): chr11:64,598,531, G>A. VCF-style: chr11-64598531-G-A. GRCh37 (hg19) VCF-style: chr11-64366003-G-A.
Other names: c.744G>A, p.Ser248= (NM_001276326.2); c.522G>A, p.Ser174= (NM_001276327.2); c.183G>A, p.Ser61= (NM_153378.3).
Identifiers: ClinVar variation 1944336 (VCV001944336.2), dbSNP rs71581775, ClinGen allele CA6077214.

ClinVar aggregate classification (germline): Uncertain significance (1 of 4 stars; one submission).

Allele frequency attached by ClinVar (database versions not stated): gnomAD exomes 0.00002; TOPMed 0.00002; ExAC 0.00006; ESP Exome Variant Server 0.00008.
gnomAD v4.1: 30 of 1,587,378 alleles (0.0019%); highest among the groups gnomAD compares: Middle Eastern, 0.073%; no homozygotes.

Submission:

Labcorp Genetics (formerly Invitae), Labcorp
Classification: Uncertain significance. Last evaluated: 2022-07-22. Review status: criteria provided, single submitter. Criteria: Invitae Variant Classification Sherloc (09022015). Collection method: clinical testing. Allele origin: germline.
Comment: This sequence change affects codon 282 of the SLC22A12 mRNA. It is a 'silent' change, meaning that it does not change the encoded amino acid sequence of the SLC22A12 protein. This variant is present in population databases (rs71581775, gnomAD 0.009%). This variant has not been reported in the literature in individuals affected with SLC22A12-related conditions. Algorithms developed to predict the effect of sequence changes on RNA splicing suggest that this variant may create or strengthen a splice site. In summary, the available evidence is currently insufficient to determine the role of this variant in disease. Therefore, it has been classified as a Variant of Uncertain Significance.